The following is an entry in ClinVar:

NM_002109.6(HARS1):c.1394T>C (p.Ile465Thr)

Gene: HARS1 (histidyl-tRNA synthetase 1; minus strand). Cytogenetic location: 5q31.3.
Variant type: single nucleotide variant.
Coding change: c.1394T>C on transcript NM_002109.6 (MANE Select); coding-DNA position 1394, T replaced by C.
Protein change: p.Ile465Thr; replaces isoleucine 465 with threonine.
Molecular consequence: missense variant.
Genome position (GRCh38, 1-based): chr5:140,674,743, A>G on the plus strand (T>C on the coding strand, the complement: HARS1 is on the minus strand). VCF-style: chr5-140674743-A-G. GRCh37 (hg19) VCF-style: chr5-140054328-A-G.
Other names: c.1274T>C, p.Ile425Thr (NM_001258040.3); c.1334T>C, p.Ile445Thr (NM_001258041.3); c.1214T>C, p.Ile405Thr (NM_001258042.3); c.1172T>C, p.Ile391Thr (NM_001289092.2); c.1052T>C, p.Ile351Thr (NM_001289093.2); c.1307T>C, p.Ile436Thr (NM_001289094.2); short protein forms I351T, I391T, I405T, I425T, I436T, I445T, I465T.
Identifiers: ClinVar variation 1317108 (VCV001317108.2), dbSNP rs544072184, ClinGen allele CA3443831.

ClinVar aggregate classification (germline): Uncertain significance (1 of 4 stars; one submission).

Allele frequency attached by ClinVar (database versions not stated): gnomAD exomes below 0.00001; ExAC 0.00001; gnomAD 0.00001; 1000 Genomes Project 30x 0.00016; 1000 Genomes Project 0.00020.
gnomAD v4.1: 1 of 1,614,170 alleles (0.000062%); highest among the groups gnomAD compares: East Asian, 0.0022%; no homozygotes.

Submission:

GeneDx
Classification: Uncertain significance. Last evaluated: 2019-03-25. Review status: criteria provided, single submitter. Criteria: GeneDx Variant Classification Process June 2021. Collection method: clinical testing. Allele origin: germline. Affected: yes.
Comment: In silico analysis, which includes protein predictors and evolutionary conservation, supports a deleterious effect; Has not been previously published as pathogenic or benign to our knowledge